The following is an entry in ClinVar:

NM_002471.4(MYH6):c.1056G>C (p.Lys352Asn)

Gene: MYH6 (myosin heavy chain 6; minus strand). Cytogenetic location: 14q11.2.
Variant type: single nucleotide variant.
Coding change: c.1056G>C on transcript NM_002471.4 (MANE Select); coding-DNA position 1056, G replaced by C.
Protein change: p.Lys352Asn; replaces lysine 352 with asparagine.
Molecular consequence: missense variant.
Genome position (GRCh38, 1-based): chr14:23,402,549, C>G on the plus strand (G>C on the coding strand, the complement: MYH6 is on the minus strand). VCF-style: chr14-23402549-C-G. GRCh37 (hg19) VCF-style: chr14-23871758-C-G.
Other names: short protein forms K352N.
Identifiers: ClinVar variation 1907173 (VCV001907173.8), dbSNP rs1410301153, ClinGen allele CA389026276.

ClinVar aggregate classification (germline): Uncertain significance. Review status: criteria provided, multiple submitters, no conflicts (2 of 4 stars). 2 submissions from 2 submitters: Uncertain significance (2). Last evaluated 2025-05-05.

Conditions:
Cardiovascular phenotype. Identifiers: MedGen CN230736.
Hypertrophic cardiomyopathy 14. Identifiers: MedGen C2750467, MONDO:0013197, OMIM 613251.

Allele frequency attached by ClinVar (database versions not stated): gnomAD exomes 0.00001.
gnomAD v4.1: 8 of 1,613,816 alleles (0.0005%); highest among the groups gnomAD compares: Non-Finnish European, 0.00068%; no homozygotes.

Submissions (2):

Ambry Genetics
Classification: Uncertain significance for Cardiovascular phenotype. Last evaluated: 2025-05-05. Review status: criteria provided, single submitter. Criteria: Ambry Variant Classification Scheme 2023. Collection method: clinical testing. Allele origin: germline.
Comment: The p.K352N variant (also known as c.1056G>C), located in coding exon 10 of the MYH6 gene, results from a G to C substitution at nucleotide position 1056. The lysine at codon 352 is replaced by asparagine, an amino acid with similar properties. This alteration has been reported in a hypertrophic cardiomyopathy (HCM) cohort; however, clinical details were limited (Lopes LR et al. Heart, 2015 Feb;101:294-301). This amino acid position is highly conserved in available vertebrate species. In addition, the in silico prediction for this alteration is inconclusive. Since supporting evidence is limited at this time, the clinical significance of this alteration remains unclear.

Labcorp Genetics (formerly Invitae), Labcorp
Classification: Uncertain significance for Hypertrophic cardiomyopathy 14. Last evaluated: 2022-05-09. Review status: criteria provided, single submitter. Criteria: Invitae Variant Classification Sherloc (09022015). Collection method: clinical testing. Allele origin: germline.
Comment: This sequence change replaces lysine, which is basic and polar, with asparagine, which is neutral and polar, at codon 352 of the MYH6 protein (p.Lys352Asn). This variant is present in population databases (no rsID available, gnomAD 0.0009%). This variant has not been reported in the literature in individuals affected with MYH6-related conditions. Algorithms developed to predict the effect of missense changes on protein structure and function are either unavailable or do not agree on the potential impact of this missense change (SIFT: "Deleterious"; PolyPhen-2: "Possibly Damaging"; Align-GVGD: "Class C0"). In summary, the available evidence is currently insufficient to determine the role of this variant in disease. Therefore, it has been classified as a Variant of Uncertain Significance.

Literature cited by the submitters: PubMed 25351510 (cited by Ambry Genetics).